The following is an entry in ClinVar:

ClinVar aggregate classification (germline): Conflicting classifications of pathogenicity. Review status: criteria provided, conflicting classifications (1 of 4 stars). 7 submissions from 7 submitters: Likely pathogenic (1); Uncertain significance (4). 2 of the submissions do not count toward it. Last evaluated 2025-11-26.

Conditions:
Hereditary cancer-predisposing syndrome. Also called: Neoplastic Syndromes, Hereditary; Tumor predisposition; Hereditary neoplastic syndrome; Hereditary Cancer Syndrome. Identifiers: Orphanet 140162, MedGen C0027672, MeSH D009386, MONDO:0015356.
Ovarian cancer. Also called: OVARIAN CANCER, SOMATIC. Identifiers: Orphanet 213500, MedGen C1140680, MONDO:0008170, OMIM 167000.
Hereditary breast ovarian cancer syndrome. Also called: Hereditary breast and ovarian cancer syndrome; Hereditary breast and ovarian cancer; Hereditary breast and ovarian cancer syndrome (HBOC); Breast and ovarian cancer; Hereditary breast and/or ovarian cancer syndrome; BRCA1- and BRCA2-Associated Hereditary Breast and Ovarian Cancer. Identifiers: Orphanet 145, MedGen C0677776, MeSH D061325, MONDO:0003582. Disease mechanism: loss of function.
Breast-ovarian cancer, familial, susceptibility to, 2 (BROVCA2). Also called: BRCA2 Hereditary Breast and Ovarian Cancer. Identifiers: Orphanet 145, MedGen C2675520, MONDO:0012933, OMIM 612555. Disease mechanism: loss of function.

Allele frequency attached by ClinVar (database versions not stated): gnomAD exomes below 0.00001.
gnomAD v4.1: 2 of 1,614,066 alleles (0.00012%); highest among the groups gnomAD compares: East Asian, 0.0022%; no homozygotes.

Submissions (7):

Labcorp Genetics (formerly Invitae), Labcorp
Classification: Uncertain significance for Hereditary breast ovarian cancer syndrome. Last evaluated: 2025-11-26. Review status: criteria provided, single submitter. Criteria: Invitae Variant Classification Sherloc (09022015). Collection method: clinical testing. Allele origin: germline.
Comment: This sequence change replaces aspartic acid, which is acidic and polar, with valine, which is neutral and non-polar, at codon 191 of the BRCA2 protein (p.Asp191Val). This variant is present in population databases (rs397507798, gnomAD 0.006%). This missense change has been observed in individual(s) with personal and/or family history of breast and/or ovarian cancer or squamous cell carcinoma (PMID: 21671020, 30613976). ClinVar contains an entry for this variant (Variation ID: 51921). Invitae Evidence Modeling of protein sequence and biophysical properties (such as structural, functional, and spatial information, amino acid conservation, physicochemical variation, residue mobility, and thermodynamic stability) indicates that this missense variant is not expected to disrupt BRCA2 protein function with a negative predictive value of 95%. Experimental studies have shown that this missense change affects BRCA2 function (PMID: 21671020). RNA analysis performed to evaluate the impact of this missense change on mRNA splicing indicates it does not significantly alter splicing (internal data). In summary, the available evidence is currently insufficient to determine the role of this variant in disease. Therefore, it has been classified as a Variant of Uncertain Significance.

Color Diagnostics, LLC DBA Color Health
Classification: Uncertain significance for Hereditary cancer-predisposing syndrome. Last evaluated: 2025-11-25. Review status: criteria provided, single submitter. Criteria: ACMG Guidelines, 2015. Collection method: clinical testing. Allele origin: germline.
Comment: This missense variant replaces aspartic acid with valine at codon 191 of the BRCA2 protein. Computational prediction suggests that this variant may not impact protein structure and function. RNA studies using minigene splicing assay reported that this variant caused low-level of exon skipping (PMID: 23983145, 26761715). This variant has been reported in three individuals affected with breast cancer and at least one additional suspected hereditary breast and ovarian cancer family and an unaffected individual (PMID: 21671020, 33471991Leiden Open Variation Database DB-ID BRCA2_000499, 35115620). This variant also has been observed in an individual affected with lung cancer (PMID: 31721094). Multifactorial analysis reached a combined likelihood ratio (LR) of 0.63 based on breast cancer case-control data and personal and family history for 2 carriers (PMID: 31853058, 40413188). This variant has been identified in 2/1614066 chromosomes in the general population by the Genome Aggregation Database (gnomAD). The available evidence is insufficient to determine the role of this variant in disease conclusively. Therefore, this variant is classified as a Variant of Uncertain Significance.

Ambry Genetics
Classification: Uncertain significance for Hereditary cancer-predisposing syndrome. Last evaluated: 2024-07-04. Review status: criteria provided, single submitter. Criteria: Ambry Variant Classification Scheme 2023. Collection method: clinical testing. Allele origin: germline.
Comment: The p.D191V variant (also known as c.572A>T), located in coding exon 6 of the BRCA2 gene, results from an A to T substitution at nucleotide position 572. The aspartic acid at codon 191 is replaced by valine, an amino acid with highly dissimilar properties. In one functional study, this variant was observed to result in a threefold increase in homologous recombination compared to wild type (p<0.0001) (Balia C et al. Breast Cancer Res. Treat. 2011;129(3):1001-9). One mini-gene splicing assay indicated that the c.572A>T alteration resulted in a slight increase in the percentage of transcripts with exon 7 skipping compared to wild type (Di Giacomo D et al. Hum. Mutat. 2013 Nov;34(11):1547-57). This alteration has been identified in individuals diagnosed with breast and/or ovarian cancer (Rizzolo P et al. Int J Cancer, 2019 Jul;145:390-400; Fu K et al. Sci Rep, 2024 Mar;14:6702). Of note, this alteration is also designated as 800A>T in published literature. This amino acid position is well conserved in available vertebrate species. In addition, the in silico prediction for this alteration is inconclusive. Based on the available evidence, the clinical significance of this variant remains unclear.

Laboratory of Molecular Epidemiology of Birth Defects, West China Second University Hospital, Sichuan University
Classification: Likely pathogenic for Ovarian cancer. Last evaluated: 2022-01-01. Review status: criteria provided, single submitter. Criteria: ACMG Guidelines, 2015. Collection method: clinical testing. Allele origin: germline. Affected: yes.

GeneDx
Classification: Uncertain significance. Last evaluated: 2016-09-28. Review status: criteria provided, single submitter. Criteria: GeneDx Variant Classification (06012015). Collection method: clinical testing. Allele origin: germline. Affected: yes.
Comment: This variant is denoted BRCA2 c.572A>T at the cDNA level, p.Asp191Val (D191V) at the protein level, and results in the change of an Aspartic Acid to a Valine (GAT>GTT). This variant, previously published as BRCA2 800A>T, was identified in at least two individuals with a personal and/or family history of breast cancer (Balia 2011). Balia et al. (2011) showed that this variant lead to an increased rate of homologous recombination, when compared to wild-type; however, tumor analysis revealed no loss of heterozygosity. While skipping of BRCA2 exon 7 is a naturally occurring isoform, BRCA2 Asp191Val has been shown to mildly increase this exon skipping compared to wild-type (Di Giacomo 2013). BRCA2 Asp191Val was not observed in approximately 6,500 individuals of European and African American ancestry in the NHLBI Exome Sequencing Project, suggesting it is not a common benign variant in these populations. Since Aspartic Acid and Valine differ in polarity, charge, size or other properties, this is considered a non-conservative amino acid substitution. BRCA2 Asp191Val occurs at a position where amino acids with properties similar to Aspartic Acid are tolerated across species and is not located in a known functional domain (UniProt). In silico analyses are inconsistent regarding the effect this variant may have on protein structure and function. Based on currently available evidence, it is unclear whether BRCA2 Asp191Val is a pathogenic or benign variant. We consider it to be a variant of uncertain significance.

Department of Medical and Surgical Sciences, University of Bologna
Classification: Likely benign for Breast-ovarian cancer, familial, susceptibility to, 2. Last evaluated: 2023-09-01. Review status: no assertion criteria provided. Collection method: clinical testing. Allele origin: germline. Affected: yes. Not counted in ClinVar's aggregate classification.
Comment: PM2(Supporting)+BP1(Strong)+BP5(Supporting) according to ACMG/AMP classification guidelines specified for BRCA1 & BRCA2 (Classification Criteria V1.0.0 2023-09-08) (PMID: 38160042)

Counsyl
Classification: Uncertain significance for Breast-ovarian cancer, familial, susceptibility to, 2. Last evaluated: 2015-11-17. Review status: no assertion criteria provided. Collection method: clinical testing. Allele origin: unknown. Not counted in ClinVar's aggregate classification.

Literature cited by the submitters: PubMed 21671020 (cited by 3 submitters); PubMed 30613976 (cited by Labcorp Genetics (formerly Invitae), Labcorp and Ambry Genetics); PubMed 23983145 (cited by 3 submitters); PubMed 26761715 (cited by Color Diagnostics, LLC DBA Color Health); PubMed 31721094 (cited by Color Diagnostics, LLC DBA Color Health and Ambry Genetics); PubMed 31853058 (cited by Color Diagnostics, LLC DBA Color Health); PubMed 33471991 (cited by Color Diagnostics, LLC DBA Color Health); PubMed 35115620 (cited by Color Diagnostics, LLC DBA Color Health); PubMed 40413188 (cited by Color Diagnostics, LLC DBA Color Health); PubMed 28993434 (cited by Ambry Genetics); PubMed 32521533 (cited by Ambry Genetics); PubMed 32623769 (cited by Ambry Genetics); PubMed 38509102 (cited by Ambry Genetics).

NM_000059.4(BRCA2):c.572A>T (p.Asp191Val)

Gene: BRCA2 (BRCA2 DNA repair associated; plus strand). Cytogenetic location: 13q13.1.
Variant type: single nucleotide variant.
Coding change: c.572A>T on transcript NM_000059.4 (MANE Select); coding-DNA position 572, A replaced by T.
Protein change: p.Asp191Val; replaces aspartic acid 191 with valine.
Molecular consequence: missense variant.
Genome position (GRCh38, 1-based): chr13:32,326,554, A>T. VCF-style: chr13-32326554-A-T. GRCh37 (hg19) VCF-style: chr13-32900691-A-T.
Other names: short protein forms D191V.
Identifiers: ClinVar variation 51921 (VCV000051921.27), dbSNP rs397507798, ClinGen allele CA023086.